The following is an entry in ClinVar:

NM_005257.6(GATA6):c.1195C>T (p.Pro399Ser)

Gene: GATA6 (GATA binding protein 6; plus strand). Cytogenetic location: 18q11.2.
Variant type: single nucleotide variant.
Coding change: c.1195C>T on transcript NM_005257.6 (MANE Select); coding-DNA position 1195, C replaced by T.
Protein change: p.Pro399Ser; replaces proline 399 with serine.
Molecular consequence: missense variant.
Genome position (GRCh38, 1-based): chr18:22,177,014, C>T. VCF-style: chr18-22177014-C-T. GRCh37 (hg19) VCF-style: chr18-19756975-C-T.
Other names: c.1195C>T (NM_005257.3); short protein forms P399S.
Identifiers: ClinVar variation 3605810 (VCV003605810.3).
Genomic context (GRCh38, chr18:22,177,014, plus strand): 5'-GACCTGCTGGAGGACCTGTCCGAGAGCCGCGAGTGCGTGAACTGCGGCTCCATCCAGACG[C>T]CGCTGTGGCGGCGGGACGGCACCGGCCACTACCTGTGCAACGCCTGCGGGCTCTACAGCA-3'
Protein context (NP_005248.2, residues 389-409): ECVNCGSIQT[Pro399Ser]LWRRDGTGHY

ClinVar aggregate classification (germline): Uncertain significance. Review status: criteria provided, multiple submitters, no conflicts (2 of 4 stars). 2 submissions from 2 submitters: Uncertain significance (2). Last evaluated 2025-05-20.

Conditions:
Atrioventricular septal defect 5 (AVSD5). Identifiers: MedGen C3280939, MONDO:0013769, OMIM 614474.
Inborn genetic diseases. Identifiers: MedGen C0950123, MeSH D030342.

Submissions (2):

Ambry Genetics
Classification: Uncertain significance for Inborn genetic diseases. Last evaluated: 2025-05-20. Review status: criteria provided, single submitter. Criteria: Ambry Variant Classification Scheme 2023. Collection method: clinical testing. Allele origin: germline.

Labcorp Genetics (formerly Invitae), Labcorp
Classification: Uncertain significance for Atrioventricular septal defect 5. Last evaluated: 2024-06-13. Review status: criteria provided, single submitter. Criteria: Invitae Variant Classification Sherloc (09022015). Collection method: clinical testing. Allele origin: germline.
Comment: This sequence change replaces proline, which is neutral and non-polar, with serine, which is neutral and polar, at codon 399 of the GATA6 protein (p.Pro399Ser). This variant is not present in population databases (gnomAD no frequency). This variant has not been reported in the literature in individuals affected with GATA6-related conditions. Advanced modeling of protein sequence and biophysical properties (such as structural, functional, and spatial information, amino acid conservation, physicochemical variation, residue mobility, and thermodynamic stability) performed at Invitae indicates that this missense variant is expected to disrupt GATA6 protein function with a positive predictive value of 80%. In summary, the available evidence is currently insufficient to determine the role of this variant in disease. Therefore, it has been classified as a Variant of Uncertain Significance.